The following is an entry in ClinVar:

ClinVar aggregate classification (germline): Uncertain significance (1 of 4 stars; one submission).

Submission:

Women's Health and Genetics/Laboratory Corporation of America, LabCorp
Classification: Uncertain significance. Last evaluated: 2024-09-04. Review status: criteria provided, single submitter. Criteria: LabCorp Variant Classification Summary - May 2015. Collection method: clinical testing. Allele origin: germline.
Comment: Variant summary: KMT2C c.8821_8823dupCCA (p.Pro2941dup) results in an in-frame duplication that is predicted to duplicate one amino acid into the encoded protein. The variant allele was found at a frequency of 4e-06 in 251280 control chromosomes. The available data on variant occurrences in the general population are insufficient to allow any conclusion about variant significance. To our knowledge, no occurrence of c.8821_8823dupCCA in individuals affected with Kleefstra Syndrome 2 and no experimental evidence demonstrating its impact on protein function have been reported. No submitters have cited clinical-significance assessments for this variant to ClinVar. Based on the evidence outlined above, the variant was classified as uncertain significance.

NM_170606.3(KMT2C):c.8812CCA[5] (p.Pro2941_Thr2942insPro)

Gene: KMT2C (lysine methyltransferase 2C; minus strand). Cytogenetic location: 7q36.1.
Variant type: Microsatellite.
Coding change: c.8812CCA[5] on transcript NM_170606.3 (MANE Select); five copies in a row of the 3-base unit CCA starting at c.8812; the reference has four copies in a row; one copy, 3 bases duplicated.
Protein change: p.Pro2941_Thr2942insPro.
Genome position (GRCh38, 1-based): chr7:152,176,630-152,176,632, TGG duplicated on the plus strand (CCA on the coding strand, the reverse complement: KMT2C is on the minus strand); duplicating any 3 consecutive bases within chr7:152,176,630-152,176,641 gives the same sequence; the position shown is the placement nearest the transcript's 3' end. VCF-style (leftmost placement, unchanged base first): chr7-152176629-T-TTGG. GRCh37 (hg19) VCF-style: chr7-151873714-T-TTGG.
Other names: c.8821_8823dupCCA (NM_170606.3).
Identifiers: ClinVar variation 3375054 (VCV003375054.1).